The following is an entry in ClinVar:

ClinVar aggregate classification (germline): Conflicting classifications of pathogenicity. Review status: criteria provided, conflicting classifications (1 of 4 stars). 5 submissions from 5 submitters: Uncertain significance (1); Likely benign (4). Last evaluated 2026-01-24.

Conditions:
Xeroderma pigmentosum (XP). Identifiers: Orphanet 910, MedGen C0043346, MONDO:0019600.
Xeroderma pigmentosum, group E (XPE). Also called: Xeroderma pigmentosum, group E, DDB-negative subtype; XERODERMA PIGMENTOSUM V; XP, GROUP E; DDB2-Related Xeroderma Pigmentosum; Xeroderma pigmentosum, complementation group E, DDB-negative form; Xeroderma pigmentosum, complementation group E. Identifiers: Orphanet 910, MedGen C1848411, MONDO:0010213, OMIM 278740.

Allele frequency attached by ClinVar (database versions not stated): 1000 Genomes Project 30x 0.00016; 1000 Genomes Project 0.00020; ExAC 0.00032; gnomAD exomes 0.00035 and 0.00041; gnomAD 0.00038 and 0.00039; ESP Exome Variant Server 0.00054; TOPMed 0.00069.
gnomAD v4.1: 587 of 1,614,074 alleles (0.036%); highest among the groups gnomAD compares: Middle Eastern, 0.54%; no homozygotes.

Submissions (5):

Labcorp Genetics (formerly Invitae), Labcorp
Classification: Likely benign. Last evaluated: 2026-01-24. Review status: criteria provided, single submitter. Criteria: Invitae Variant Classification Sherloc (09022015). Collection method: clinical testing. Allele origin: germline.

Blueprint Genetics
Classification: Likely benign. Last evaluated: 2024-10-24. Review status: criteria provided, single submitter. Criteria: ACMG Guidelines, 2015. Collection method: clinical testing. Allele origin: germline.

CeGaT Center for Human Genetics Tuebingen
Classification: Likely benign. Last evaluated: 2024-04-01. Review status: criteria provided, single submitter. Criteria: CeGaT Center For Human Genetics Tuebingen Variant Classification Criteria Version 2. Collection method: clinical testing. Allele origin: germline. Affected: yes. Observed: 4 variant alleles.
Comment: DDB2: BP4, BP7

Sema4
Classification: Likely benign for Xeroderma pigmentosum. Last evaluated: 2021-07-16. Review status: criteria provided, single submitter. Criteria: Sema4 Curation Guidelines. Collection method: curation. Allele origin: germline.

Illumina Laboratory Services, Illumina
Classification: Uncertain significance for Xeroderma pigmentosum, group E. Last evaluated: 2018-01-13. Review status: criteria provided, single submitter. Criteria: ICSL Variant Classification Criteria 13 December 2019. Collection method: clinical testing. Allele origin: germline.

NM_000107.3(DDB2):c.1053T>C (p.Ile351=)

Gene: DDB2 (damage specific DNA binding protein 2; plus strand). Cytogenetic location: 11p11.2.
Variant type: single nucleotide variant.
Coding change: c.1053T>C on transcript NM_000107.3 (MANE Select); coding-DNA position 1053, T replaced by C.
Protein change: p.Ile351=; no amino-acid change (isoleucine 351 retained).
Molecular consequence: synonymous variant.
Genome position (GRCh38, 1-based): chr11:47,237,866, T>C. VCF-style: chr11-47237866-T-C. GRCh37 (hg19) VCF-style: chr11-47259417-T-C.
Other names: c.486T>C, p.Ile162= (NM_001300734.2).
Identifiers: ClinVar variation 777199 (VCV000777199.38), dbSNP rs61741581, ClinGen allele CA5972702.